The following is an entry in ClinVar:

ClinVar aggregate classification (germline): Uncertain significance (1 of 4 stars; one submission).

Submission:

Ambry Genetics
Classification: Uncertain significance. Last evaluated: 2022-12-24. Review status: criteria provided, single submitter. Criteria: Ambry Variant Classification Scheme 2023. Collection method: clinical testing. Allele origin: germline.
Comment: The p.S27N variant (also known as c.80G>A), located in coding exon 1 of the POLQ gene, results from a G to A substitution at nucleotide position 80. The serine at codon 27 is replaced by asparagine, an amino acid with highly similar properties. This amino acid position is conserved. In addition, this alteration is predicted to be tolerated by in silico analysis. Since supporting evidence is limited at this time, the clinical significance of this alteration remains unclear.

NM_199420.4(POLQ):c.80G>A (p.Ser27Asn)

Genes: POLQ (DNA polymerase theta; minus strand), LOC112872292 (Sharpr-MPRA regulatory region 30; plus strand). Cytogenetic location: 3q13.33.
Variant type: single nucleotide variant.
Coding change: c.80G>A on transcript NM_199420.4 (MANE Select); coding-DNA position 80, G replaced by A.
Protein change: p.Ser27Asn; replaces serine 27 with asparagine.
Molecular consequence: missense variant.
Genome position (GRCh38, 1-based): chr3:121,545,798, C>T on the plus strand (G>A on the coding strand, the complement: POLQ is on the minus strand). VCF-style: chr3-121545798-C-T. GRCh37 (hg19) VCF-style: chr3-121264645-C-T.
Other names: short protein forms S27N.
Identifiers: ClinVar variation 2448956 (VCV002448956.2), dbSNP rs2546828699, ClinGen allele CA354097391.